The following is an entry in ClinVar:

ClinVar aggregate classification (germline): Pathogenic/Likely pathogenic. Review status: criteria provided, multiple submitters, no conflicts (2 of 4 stars). 2 submissions from 2 submitters: Pathogenic (1); Likely pathogenic (1). Last evaluated 2024-05-09.

Conditions:
Primary ciliary dyskinesia 9. Also called: CILIARY DYSKINESIA, PRIMARY, 9, WITH OR WITHOUT SITUS INVERSUS. Identifiers: Orphanet 244, MedGen C2676235, MONDO:0012906, OMIM 612444.
Primary ciliary dyskinesia. Also called: Ciliary dyskinesia. Identifiers: Orphanet 244, MedGen C0008780, MONDO:0016575, HP:0012265.

Submissions (2):

Fulgent Genetics
Classification: Likely pathogenic for Primary ciliary dyskinesia 9. Last evaluated: 2024-05-09. Review status: criteria provided, single submitter. Criteria: ACMG Guidelines, 2015. Collection method: clinical testing. Allele origin: germline.

Labcorp Genetics (formerly Invitae), Labcorp
Classification: Pathogenic for Primary ciliary dyskinesia. Last evaluated: 2023-10-05. Review status: criteria provided, single submitter. Criteria: Invitae Variant Classification Sherloc (09022015). Collection method: clinical testing. Allele origin: germline.
Comment: This sequence change creates a premature translational stop signal (p.Trp391*) in the DNAI2 gene. It is expected to result in an absent or disrupted protein product. Loss-of-function variants in DNAI2 are known to be pathogenic (PMID: 18950741, 23891469). This variant is not present in population databases (gnomAD no frequency). This variant has not been reported in the literature in individuals affected with DNAI2-related conditions. ClinVar contains an entry for this variant (Variation ID: 2119577). For these reasons, this variant has been classified as Pathogenic.

Literature cited by the submitters: PubMed 18950741 (cited by Labcorp Genetics (formerly Invitae), Labcorp); PubMed 23891469 (cited by Labcorp Genetics (formerly Invitae), Labcorp).

NM_023036.6(DNAI2):c.1173G>A (p.Trp391Ter)

Gene: DNAI2 (dynein axonemal intermediate chain 2; plus strand). Cytogenetic location: 17q25.1.
Variant type: single nucleotide variant.
Coding change: c.1173G>A on transcript NM_023036.6 (MANE Select); coding-DNA position 1173, G replaced by A.
Protein change: p.Trp391Ter; replaces tryptophan 391 with a stop codon.
Molecular consequence: nonsense. On other transcripts: non-coding transcript variant (1).
Genome position (GRCh38, 1-based): chr17:74,305,404, G>A. VCF-style: chr17-74305404-G-A. GRCh37 (hg19) VCF-style: chr17-72301543-G-A.
Other names: c.1173G>A, p.Trp391Ter (NM_001172810.3, NM_001353167.2); short protein forms W391*.
Identifiers: ClinVar variation 2119577 (VCV002119577.5), dbSNP rs1261918364, ClinGen allele CA400910378.